The following is an entry in ClinVar:

ClinVar aggregate classification (germline): Likely pathogenic (1 of 4 stars; one submission).

Conditions:
GATA1-related disorder. Also called: GATA1-related condition.

Submission:

PreventionGenetics, part of Exact Sciences
Classification: Likely pathogenic for GATA1-related condition. Last evaluated: 2025-02-04. Review status: criteria provided, single submitter. Criteria: ACMG Guidelines, 2015. Collection method: clinical testing. Allele origin: germline.
Comment: The GATA1 c.151_154delAGCA variant is predicted to result in a frameshift and premature protein termination (p.Ser51Glnfs*85). To our knowledge, this variant has not been reported in the literature or in a large population database (gnomAD), indicating this variant is rare. Frameshift variants in GATA1 are expected to be pathogenic. This variant is interpreted as likely pathogenic.

NM_002049.4(GATA1):c.151_154del (p.Ser51fs)

Gene: GATA1 (GATA binding protein 1; plus strand). Cytogenetic location: Xp11.23.
Variant type: Deletion.
Coding change: c.151_154del on transcript NM_002049.4 (MANE Select); coding-DNA positions 151 to 154, 4 bases deleted (AGCA; older notation c.151_154delAGCA).
Protein change: p.Ser51fs; shifts the reading frame from serine 51.
Molecular consequence: frameshift variant.
Genome position (GRCh38, 1-based): chrX:48,791,260-48,791,263, AGCA deleted. VCF-style (leftmost placement, unchanged base first): chrX-48791259-GAGCA-G. GRCh37 (hg19) VCF-style: chrX-48649666-GAGCA-G.
Other names: short protein forms S51fs.
Identifiers: ClinVar variation 4997076 (VCV004997076.1).